The following is an entry in ClinVar:

ClinVar aggregate classification (germline): Uncertain significance. Review status: criteria provided, multiple submitters, no conflicts (2 of 4 stars). 2 submissions from 2 submitters: Uncertain significance (2). Last evaluated 2025-12-11.

Conditions:
Inborn genetic diseases. Identifiers: MedGen C0950123, MeSH D030342.

Allele frequency attached by ClinVar (database versions not stated): TOPMed 0.00002; gnomAD 0.00003.
gnomAD v4.1: 4 of 1,614,130 alleles (0.00025%); highest among the groups gnomAD compares: African/African-American, 0.0053%; no homozygotes.

Submissions (2):

Ambry Genetics
Classification: Uncertain significance for Inborn genetic diseases. Last evaluated: 2025-12-11. Review status: criteria provided, single submitter. Criteria: Ambry Variant Classification Scheme 2023. Collection method: clinical testing. Allele origin: germline.

Labcorp Genetics (formerly Invitae), Labcorp
Classification: Uncertain significance. Last evaluated: 2025-08-31. Review status: criteria provided, single submitter. Criteria: Invitae Variant Classification Sherloc (09022015). Collection method: clinical testing. Allele origin: germline.
Comment: This sequence change replaces alanine, which is neutral and non-polar, with valine, which is neutral and non-polar, at codon 373 of the TCF20 protein (p.Ala373Val). This variant is present in population databases (no rsID available, gnomAD 0.007%). This variant has not been reported in the literature in individuals affected with TCF20-related conditions. ClinVar contains an entry for this variant (Variation ID: 2180043). An algorithm developed to predict the effect of missense changes on protein structure and function (PolyPhen-2) suggests that this variant is likely to be disruptive. In summary, the available evidence is currently insufficient to determine the role of this variant in disease. Therefore, it has been classified as a Variant of Uncertain Significance.

NM_001378418.1(TCF20):c.1118C>T (p.Ala373Val)

Gene: TCF20 (transcription factor 20; minus strand). Cytogenetic location: 22q13.2.
Variant type: single nucleotide variant.
Coding change: c.1118C>T on transcript NM_001378418.1 (MANE Select); coding-DNA position 1118, C replaced by T.
Protein change: p.Ala373Val; replaces alanine 373 with valine.
Molecular consequence: missense variant.
Genome position (GRCh38, 1-based): chr22:42,214,188, G>A on the plus strand (C>T on the coding strand, the complement: TCF20 is on the minus strand). VCF-style: chr22-42214188-G-A. GRCh37 (hg19) VCF-style: chr22-42610194-G-A.
Other names: c.1118C>T, p.Ala373Val (NM_005650.4, NM_181492.3); c.1118C>T (NM_005650.1); short protein forms A373V.
Identifiers: ClinVar variation 2180043 (VCV002180043.5), dbSNP rs934538418, ClinGen allele CA324704353.